The following is an entry in ClinVar:

NM_000132.4(F8):c.6158A>T (p.Asp2053Val)

Gene: F8 (coagulation factor VIII; minus strand). Cytogenetic location: Xq28.
Variant type: single nucleotide variant.
Coding change: c.6158A>T on transcript NM_000132.4 (MANE Select); coding-DNA position 6158, A replaced by T.
Protein change: p.Asp2053Val; replaces aspartic acid 2053 with valine.
Molecular consequence: missense variant.
Genome position (GRCh38, 1-based): chrX:154,901,400, T>A on the plus strand (A>T on the coding strand, the complement: F8 is on the minus strand). VCF-style: chrX-154901400-T-A. GRCh37 (hg19) VCF-style: chrX-154129675-T-A.
Other names: short protein forms D2053V.
Identifiers: ClinVar variation 4996039 (VCV004996039.1).

ClinVar aggregate classification (germline): Uncertain significance (1 of 4 stars; one submission).

Conditions:
F8-related disorder. Also called: F8-related condition.

Submission:

PreventionGenetics, part of Exact Sciences
Classification: Uncertain significance for F8-related condition. Last evaluated: 2025-09-25. Review status: criteria provided, single submitter. Criteria: ACMG Guidelines, 2015. Collection method: clinical testing. Allele origin: germline.
Comment: The F8 c.6158A>T variant is predicted to result in the amino acid substitution p.Asp2053Val. This variant was reported in at least one individual with hemophilia A (Table S7a, Johnsen et al. 2017. PubMed ID: 29296726; Supplemental Table 6, Johnsen et al. 2022. PubMed ID: 35770352). This variant has not been reported in a large population database (gnomAD), indicating this variant is rare. At this time, the clinical significance of this variant is uncertain due to the absence of conclusive functional and genetic evidence.